The following is an entry in ClinVar:

ClinVar aggregate classification (germline): Uncertain significance. Review status: criteria provided, multiple submitters, no conflicts (2 of 4 stars). 2 submissions from 2 submitters: Uncertain significance (2). Last evaluated 2024-09-09.

Conditions:
Hereditary cancer-predisposing syndrome. Also called: Tumor predisposition; Neoplastic Syndromes, Hereditary; Hereditary neoplastic syndrome; Hereditary Cancer Syndrome. Identifiers: Orphanet 140162, MedGen C0027672, MeSH D009386, MONDO:0015356.

Submissions (2):

Ambry Genetics
Classification: Uncertain significance for Hereditary cancer-predisposing syndrome. Last evaluated: 2024-09-09. Review status: criteria provided, single submitter. Criteria: Ambry Variant Classification Scheme 2023. Collection method: clinical testing. Allele origin: germline.
Comment: The p.D445Y variant (also known as c.1333G>T), located in coding exon 10 of the POLD1 gene, results from a G to T substitution at nucleotide position 1333. The aspartic acid at codon 445 is replaced by tyrosine, an amino acid with highly dissimilar properties. This amino acid position is not well conserved in available vertebrate species. In addition, this alteration is predicted to be tolerated by in silico analysis. Based on the available evidence, the clinical significance of this variant remains unclear.

GeneDx
Classification: Uncertain significance. Last evaluated: 2023-10-24. Review status: criteria provided, single submitter. Criteria: GeneDx Variant Classification Process June 2021. Collection method: clinical testing. Allele origin: germline. Affected: yes.
Comment: Not observed at significant frequency in large population cohorts (gnomAD); In silico analysis supports that this missense variant has a deleterious effect on protein structure/function; Has not been previously published as pathogenic or benign to our knowledge; This variant is associated with the following publications: (PMID: 20951805)

NM_002691.4(POLD1):c.1333G>T (p.Asp445Tyr)

Gene: POLD1 (DNA polymerase delta 1, catalytic subunit; plus strand). Cytogenetic location: 19q13.33.
Variant type: single nucleotide variant.
Coding change: c.1333G>T on transcript NM_002691.4 (MANE Select); coding-DNA position 1333, G replaced by T.
Protein change: p.Asp445Tyr; replaces aspartic acid 445 with tyrosine.
Molecular consequence: missense variant. On other transcripts: non-coding transcript variant (1).
Genome position (GRCh38, 1-based): chr19:50,406,272, G>T. VCF-style: chr19-50406272-G-T. GRCh37 (hg19) VCF-style: chr19-50909529-G-T.
Other names: c.1333G>T, p.Asp445Tyr (NM_001256849.1, NM_001308632.1); c.1333G>T (NM_002691.2); short protein forms D445Y.
Identifiers: ClinVar variation 3363480 (VCV003363480.2).
Genomic context (GRCh38, chr19:50,406,272, plus strand): 5'-GCCGGCCTTTGCTCCAACATCCGGGACTCTTCATTCCAGTCCAAGCAGACGGGCCGGCGG[G>T]ACACCAAGGTTGTCAGCATGGTGGGCCGCGTGCAGATGGACATGCTGCAGGTATGGGCGG-3'
Protein context (NP_002682.2, residues 435-455): SFQSKQTGRR[Asp445Tyr]TKVVSMVGRV